The following is an entry in ClinVar:

NM_025137.4(SPG11):c.3094C>T (p.Pro1032Ser)

Gene: SPG11 (SPG11 vesicle trafficking associated, spatacsin; minus strand). Cytogenetic location: 15q21.1.
Variant type: single nucleotide variant.
Coding change: c.3094C>T on transcript NM_025137.4 (MANE Select); coding-DNA position 3094, C replaced by T.
Protein change: p.Pro1032Ser; replaces proline 1032 with serine.
Molecular consequence: missense variant.
Genome position (GRCh38, 1-based): chr15:44,613,481, G>A on the plus strand (C>T on the coding strand, the complement: SPG11 is on the minus strand). VCF-style: chr15-44613481-G-A. GRCh37 (hg19) VCF-style: chr15-44905679-G-A.
Other names: c.3094C>T, p.Pro1032Ser (NM_001160227.2, NM_001411132.1); short protein forms P1032S.
Identifiers: ClinVar variation 3626450 (VCV003626450.2).

ClinVar aggregate classification (germline): Uncertain significance (1 of 4 stars; one submission).

Conditions:
Hereditary spastic paraplegia 11. Also called: Nakamura Osame syndrome; Autosomal recessive hereditary spastic paraplegia, mental impairment, and thin corpus callosum; Spastic paraplegia, mental retardation and thin corpus callosum; SPASTIC PARAPLEGIA, AUTOSOMAL RECESSIVE, COMPLICATED, WITH THIN CORPUS CALLOSUM; SPASTIC PARAPLEGIA, AUTOSOMAL RECESSIVE, WITH MENTAL IMPAIRMENT AND THIN CORPUS CALLOSUM; Spastic Paraplegia 11. Identifiers: Orphanet 2822, MedGen C1858479, MONDO:0011445, OMIM 604360.

gnomAD v4.1: 12 of 1,613,862 alleles (0.00074%); highest among the groups gnomAD compares: Non-Finnish European, 0.001%; no homozygotes.

Submission:

Labcorp Genetics (formerly Invitae), Labcorp
Classification: Uncertain significance for Hereditary spastic paraplegia 11. Last evaluated: 2024-04-15. Review status: criteria provided, single submitter. Criteria: Invitae Variant Classification Sherloc (09022015). Collection method: clinical testing. Allele origin: germline.
Comment: This sequence change replaces proline, which is neutral and non-polar, with serine, which is neutral and polar, at codon 1032 of the SPG11 protein (p.Pro1032Ser). This variant is present in population databases (no rsID available, gnomAD 0.002%). This variant has not been reported in the literature in individuals affected with SPG11-related conditions. Advanced modeling of protein sequence and biophysical properties (such as structural, functional, and spatial information, amino acid conservation, physicochemical variation, residue mobility, and thermodynamic stability) performed at Invitae indicates that this missense variant is expected to disrupt SPG11 protein function with a positive predictive value of 80%. In summary, the available evidence is currently insufficient to determine the role of this variant in disease. Therefore, it has been classified as a Variant of Uncertain Significance.